The following is an entry in ClinVar:

ClinVar aggregate classification (germline): Pathogenic (1 of 4 stars; one submission).

Conditions:
Cataract 10 multiple types. Also called: CATARACT 10, CONGENITAL ZONULAR, WITH SUTURAL OPACITIES. Identifiers: Orphanet 91492, MedGen C1833229, MONDO:0010948, OMIM 600881.

Submission:

Juno Genomics, Hangzhou Juno Genomics, Inc
Classification: Pathogenic for Cataract 10 multiple types. Review status: criteria provided, single submitter. Criteria: ACMG Guidelines, 2015. Collection method: clinical testing. Allele origin: germline. Affected: yes.
Comment: Absent from controls (or at extremely low frequency if recessive) in Genome Aggregation Database, Exome Sequencing Project, 1000 Genomes Project, or Exome Aggregation Consortium.;Null variant in a gene where loss of function (LOF) is a known mechanism of disease.;Patient's phenotype or family history is highly specific for a disease with a single genetic etiology.

NM_005208.5(CRYBA1):c.279C>A (p.Tyr93Ter)

Gene: CRYBA1 (crystallin beta A1; plus strand). Cytogenetic location: 17q11.2.
Variant type: single nucleotide variant.
Coding change: c.279C>A on transcript NM_005208.5 (MANE Select); coding-DNA position 279, C replaced by A.
Protein change: p.Tyr93Ter; replaces tyrosine 93 with a stop codon.
Molecular consequence: nonsense.
Genome position (GRCh38, 1-based): chr17:29,252,127, C>A. VCF-style: chr17-29252127-C-A. GRCh37 (hg19) VCF-style: chr17-27579145-C-A.
Other names: short protein forms Y93*.
Identifiers: ClinVar variation 3382052 (VCV003382052.2).